The following is an entry in ClinVar:

NM_020693.4(DSCAML1):c.3694G>A (p.Gly1232Arg)

Gene: DSCAML1 (DS cell adhesion molecule like 1; minus strand). Cytogenetic location: 11q23.3.
Variant type: single nucleotide variant.
Coding change: c.3694G>A on transcript NM_020693.4 (MANE Select); coding-DNA position 3694, G replaced by A.
Protein change: p.Gly1232Arg; replaces glycine 1232 with arginine.
Molecular consequence: missense variant.
Genome position (GRCh38, 1-based): chr11:117,450,563, C>T on the plus strand (G>A on the coding strand, the complement: DSCAML1 is on the minus strand). VCF-style: chr11-117450563-C-T. GRCh37 (hg19) VCF-style: chr11-117321279-C-T.
Other names: short protein forms G1232R.
Identifiers: ClinVar variation 2194050 (VCV002194050.5), dbSNP rs200813659, ClinGen allele CA6296625.
Genomic context (GRCh38, chr11:117,450,563, plus strand): 5'-TTCTTTTCTTCCATCCCCTTCATCATCTGGCCCTGAACTCACTTACCGGCTGGCCAGACC[C>T]GGGGCTGGAACAGAAGATGGTGTACTTGCGGATCACCCCGTTGGGCTTGGTAGGGGGGAG-3'
Protein context (NP_065744.3, residues 1222-1242): RKYTIFCSSP[Gly1232Arg]SGQPAPSEYE

ClinVar aggregate classification (germline): Uncertain significance (1 of 4 stars; one submission).

Allele frequency attached by ClinVar (database versions not stated): gnomAD 0.00001.
gnomAD v4.1: 24 of 1,613,916 alleles (0.0015%); highest among the groups gnomAD compares: Admixed American, 0.012%; no homozygotes.

Submissions (2):

Labcorp Genetics (formerly Invitae), Labcorp
Classification: Uncertain significance. Last evaluated: 2025-09-08. Review status: criteria provided, single submitter. Criteria: Invitae Variant Classification Sherloc (09022015). Collection method: clinical testing. Allele origin: germline.
Comment: This sequence change replaces glycine, which is neutral and non-polar, with arginine, which is basic and polar, at codon 1292 of the DSCAML1 protein (p.Gly1292Arg). This variant is present in population databases (rs200813659, gnomAD 0.01%). This variant has not been reported in the literature in individuals affected with DSCAML1-related conditions. ClinVar contains an entry for this variant (Variation ID: 2194050). An algorithm developed to predict the effect of missense changes on protein structure and function (PolyPhen-2) suggests that this variant is likely to be disruptive. In summary, the available evidence is currently insufficient to determine the role of this variant in disease. Therefore, it has been classified as a Variant of Uncertain Significance.

Dr. Peter K. Rogan Lab, Western University
No classification provided (evidence only). Condition: Gastric cancer. Review status: no classification provided. Collection method: in vitro. Allele origin: not applicable. Functional consequence: retained intron. Not counted in ClinVar's aggregate classification.